The following is an entry in ClinVar:

NM_005477.3(HCN4):c.1737+6C>T

Gene: HCN4 (hyperpolarization activated cyclic nucleotide gated potassium channel 4; minus strand). Cytogenetic location: 15q24.1.
Variant type: single nucleotide variant.
Coding change: c.1737+6C>T on transcript NM_005477.3 (MANE Select); 6 bases into the intron after coding-DNA position 1737, C replaced by T.
Molecular consequence: intron variant.
Genome position (GRCh38, 1-based): chr15:73,325,292, G>A on the plus strand (C>T on the coding strand, the complement: HCN4 is on the minus strand). VCF-style: chr15-73325292-G-A. GRCh37 (hg19) VCF-style: chr15-73617633-G-A.
Identifiers: ClinVar variation 1384588 (VCV001384588.6), dbSNP rs2042892240, ClinGen allele CA2187190671.
Genomic context (GRCh38, chr15:73,325,292, plus strand): 5'-TGGTGAGGGGAGCTGGCTGCCAGGAAGGCCTGGCTCCCCTCCACGCCGGGCCGCCACACA[G>A]CTCACCTCCCGCAGGGGCTCGCTTAGCTCGCCCAGGATGCTCTCCTCGTCGAACATCTTG-3'

ClinVar aggregate classification (germline): Uncertain significance (1 of 4 stars; one submission).

Conditions:
Brugada syndrome 8 (BRGDA8). Identifiers: Orphanet 130, MedGen C2751083, MONDO:0013148, OMIM 613123.

Allele frequency attached by ClinVar (database versions not stated): TOPMed below 0.00001.

Submission:

Labcorp Genetics (formerly Invitae), Labcorp
Classification: Uncertain significance for Brugada syndrome 8. Last evaluated: 2024-06-17. Review status: criteria provided, single submitter. Criteria: Invitae Variant Classification Sherloc (09022015). Collection method: clinical testing. Allele origin: germline.
Comment: This sequence change falls in intron 5 of the HCN4 gene. It does not directly change the encoded amino acid sequence of the HCN4 protein. It affects a nucleotide within the consensus splice site. This variant is not present in population databases (gnomAD no frequency). This variant has not been reported in the literature in individuals affected with HCN4-related conditions. ClinVar contains an entry for this variant (Variation ID: 1384588). Variants that disrupt the consensus splice site are a relatively common cause of aberrant splicing (PMID: 17576681, 9536098). Algorithms developed to predict the effect of sequence changes on RNA splicing suggest that this variant is not likely to affect RNA splicing. In summary, the available evidence is currently insufficient to determine the role of this variant in disease. Therefore, it has been classified as a Variant of Uncertain Significance.

Literature cited by the submitters: PubMed 17576681; PubMed 9536098.